The following is an entry in ClinVar:

NM_002242.4(KCNJ13):c.905T>C (p.Leu302Pro)

Genes: GIGYF2 (GRB10 interacting GYF protein 2; plus strand), KCNJ13 (potassium inwardly rectifying channel subfamily J member 13; minus strand). Cytogenetic location: 2q37.1.
Variant type: single nucleotide variant.
Coding change: c.905T>C on transcript NM_002242.4 (MANE Select); coding-DNA position 905, T replaced by C.
Protein change: p.Leu302Pro; replaces leucine 302 with proline.
Molecular consequence: missense variant. On other transcripts: 3 prime UTR variant (1), intron variant (4).
Genome position (GRCh38, 1-based): chr2:232,768,369, A>G on the plus strand (T>C on the coding strand, the complement: KCNJ13 is on the minus strand). VCF-style: chr2-232768369-A-G. GRCh37 (hg19) VCF-style: chr2-233633079-A-G.
Other names: c.*384T>C (NM_001172416.1); c.665T>C, p.Leu222Pro (NM_001172417.1); c.532+6933A>G (NM_001103146.3, NM_015575.4, NM_001103147.2 and 1 more transcripts); short protein forms L222P, L302P.
Identifiers: ClinVar variation 844853 (VCV000844853.9), dbSNP rs954056272, ClinGen allele CA66988072.

ClinVar aggregate classification (germline): Uncertain significance. Review status: criteria provided, multiple submitters, no conflicts (2 of 4 stars). 3 submissions from 3 submitters: Uncertain significance (3). Last evaluated 2025-07-03.

Allele frequency attached by ClinVar (database versions not stated): TOPMed below 0.00001; gnomAD exomes 0.00001.
gnomAD v4.1: 15 of 1,614,136 alleles (0.00093%); highest among the groups gnomAD compares: Middle Eastern, 0.05%; no homozygotes.

Submissions (3):

Labcorp Genetics (formerly Invitae), Labcorp
Classification: Uncertain significance. Last evaluated: 2025-07-03. Review status: criteria provided, single submitter. Criteria: Invitae Variant Classification Sherloc (09022015). Collection method: clinical testing. Allele origin: germline.
Comment: This sequence change replaces leucine, which is neutral and non-polar, with proline, which is neutral and non-polar, at codon 302 of the KCNJ13 protein (p.Leu302Pro). This variant is present in population databases (no rsID available, gnomAD 0.006%). This variant has not been reported in the literature in individuals affected with KCNJ13-related conditions. ClinVar contains an entry for this variant (Variation ID: 844853). Invitae Evidence Modeling of protein sequence and biophysical properties (such as structural, functional, and spatial information, amino acid conservation, physicochemical variation, residue mobility, and thermodynamic stability) indicates that this missense variant is not expected to disrupt KCNJ13 protein function with a negative predictive value of 80%. In summary, the available evidence is currently insufficient to determine the role of this variant in disease. Therefore, it has been classified as a Variant of Uncertain Significance.

Blueprint Genetics
Classification: Uncertain significance. Last evaluated: 2024-07-22. Review status: criteria provided, single submitter. Criteria: ACMG Guidelines, 2015. Collection method: clinical testing. Allele origin: germline.

Ambry Genetics
Classification: Uncertain significance. Last evaluated: 2024-06-10. Review status: criteria provided, single submitter. Criteria: Ambry Variant Classification Scheme 2023. Collection method: clinical testing. Allele origin: germline.